The following is an entry in ClinVar:

NM_001378454.1(ALMS1):c.6232C>A (p.Pro2078Thr)

Gene: ALMS1 (ALMS1 centrosome and basal body associated protein; plus strand). Cytogenetic location: 2p13.1.
Variant type: single nucleotide variant.
Coding change: c.6232C>A on transcript NM_001378454.1 (MANE Select); coding-DNA position 6232, C replaced by A.
Protein change: p.Pro2078Thr; replaces proline 2078 with threonine.
Molecular consequence: missense variant.
Genome position (GRCh38, 1-based): chr2:73,452,759, C>A. VCF-style: chr2-73452759-C-A. GRCh37 (hg19) VCF-style: chr2-73679886-C-A.
Other names: c.6235C>A, p.Pro2079Thr (NM_015120.4); short protein forms P2078T, P2079T.
Identifiers: ClinVar variation 4709283 (VCV004709283.1).

ClinVar aggregate classification (germline): Uncertain significance (1 of 4 stars; one submission).

Conditions:
Alstrom syndrome (ALMS). Identifiers: Orphanet 64, MedGen C0268425, MONDO:0008763, OMIM 203800.

Submission:

Labcorp Genetics (formerly Invitae), Labcorp
Classification: Uncertain significance for Alstrom syndrome. Last evaluated: 2025-08-11. Review status: criteria provided, single submitter. Criteria: Invitae Variant Classification Sherloc (09022015). Collection method: clinical testing. Allele origin: germline.
Comment: This sequence change replaces proline, which is neutral and non-polar, with threonine, which is neutral and polar, at codon 2079 of the ALMS1 protein (p.Pro2079Thr). This variant is not present in population databases (gnomAD no frequency). This variant has not been reported in the literature in individuals affected with ALMS1-related conditions. Experimental studies and prediction algorithms are not available or were not evaluated, and the functional significance of this variant is currently unknown. In summary, the available evidence is currently insufficient to determine the role of this variant in disease. Therefore, it has been classified as a Variant of Uncertain Significance.